The following is an entry in ClinVar:

ClinVar aggregate classification (germline): Uncertain significance (1 of 4 stars; one submission).

Submission:

Labcorp Genetics (formerly Invitae), Labcorp
Classification: Uncertain significance. Last evaluated: 2021-08-27. Review status: criteria provided, single submitter. Criteria: Invitae Variant Classification Sherloc (09022015). Collection method: clinical testing. Allele origin: germline.
Comment: This sequence change affects the initiator methionine of the NR2E3 mRNA. The next in-frame methionine is located at codon 9. This variant is not present in population databases (ExAC no frequency). This variant has not been reported in the literature in individuals affected with NR2E3-related conditions. Experimental studies and prediction algorithms are not available or were not evaluated, and the functional significance of this variant is currently unknown. In summary, the available evidence is currently insufficient to determine the role of this variant in disease. Therefore, it has been classified as a Variant of Uncertain Significance.

NM_014249.4(NR2E3):c.2T>C (p.Met1Thr)

Gene: NR2E3 (nuclear receptor subfamily 2 group E member 3; plus strand). Cytogenetic location: 15q23.
Variant type: single nucleotide variant.
Coding change: c.2T>C on transcript NM_014249.4 (MANE Select); coding-DNA position 2, T replaced by C.
Protein change: p.Met1Thr; changes the start codon (methionine 1).
Molecular consequence: missense variant, initiator codon variant.
Genome position (GRCh38, 1-based): chr15:71,810,745, T>C. VCF-style: chr15-71810745-T-C. GRCh37 (hg19) VCF-style: chr15-72103085-T-C.
Other names: c.2T>C, p.Met1Thr (NM_016346.4); short protein forms M1T.
Identifiers: ClinVar variation 2157324 (VCV002157324.2), dbSNP rs975791531, ClinGen allele CA393031311.